The following is an entry in ClinVar:

NM_001904.4(CTNNB1):c.1923dup (p.Glu642fs)

Gene: CTNNB1 (catenin beta 1; plus strand). Cytogenetic location: 3p22.1.
Variant type: Duplication.
Coding change: c.1923dup on transcript NM_001904.4 (MANE Select); coding-DNA position 1923, one base duplicated (A; older notation c.1923dupA).
Protein change: p.Glu642fs; shifts the reading frame from glutamic acid 642.
Molecular consequence: frameshift variant.
Genome position (GRCh38, 1-based): chr3:41,236,468, A duplicated. VCF-style (leftmost placement, unchanged base first): chr3-41236467-C-CA. GRCh37 (hg19) VCF-style: chr3-41277958-C-CA.
Other names: c.1923dupA (NM_001904.3); c.1923dup (NM_001904.3); c.1923dup, p.Glu642fs (NM_001098209.2, NM_001098210.2); c.1902dup, p.Glu635fs (NM_001330729.2); short protein forms E635fs, E642fs.
Identifiers: ClinVar variation 1193715 (VCV001193715.3), dbSNP rs2125646219, ClinGen allele CA2499216781.
Genomic context (GRCh38, chr3:41,236,467, plus strand): 5'-TTGCTCAGGACAAGGAAGCTGCAGAAGCTATTGAAGCTGAGGGAGCCACAGCTCCTCTGA[C>CA]AGAGTTACTTCACTCTAGGAATGAAGGTGTGGGTAAGTAAAAAGGAACCAAAGCCTTTAG-3'

ClinVar aggregate classification (germline): Pathogenic (1 of 4 stars; one submission).

Submission:

GeneDx
Classification: Pathogenic. Last evaluated: 2023-03-15. Review status: criteria provided, single submitter. Criteria: GeneDx Variant Classification Process June 2021. Collection method: clinical testing. Allele origin: germline. Affected: yes.
Comment: Frameshift variant predicted to result in protein truncation or nonsense mediated decay in a gene for which loss of function is a known mechanism of disease; Not observed at significant frequency in large population cohorts (gnomAD); This variant is associated with the following publications: (PMID: 25326669)